The following is an entry in ClinVar:

NM_014000.3(VCL):c.3258+10A>T

Gene: VCL (vinculin; plus strand). Cytogenetic location: 10q22.2.
Variant type: single nucleotide variant.
Coding change: c.3258+10A>T on transcript NM_014000.3 (MANE Select); 10 bases into the intron after coding-DNA position 3258, A replaced by T.
Molecular consequence: intron variant.
Genome position (GRCh38, 1-based): chr10:74,114,909, A>T. VCF-style: chr10-74114909-A-T. GRCh37 (hg19) VCF-style: chr10-75874667-A-T.
Other names: p.?; c.3054+10A>T (NM_003373.4).
Identifiers: ClinVar variation 45609 (VCV000045609.58), dbSNP rs71579379, ClinGen allele CA136779.

ClinVar aggregate classification (germline): Conflicting classifications of pathogenicity. Review status: criteria provided, conflicting classifications (1 of 4 stars). 16 submissions from 16 submitters: Uncertain significance (1); Benign (8); Likely benign (3). 4 of the submissions do not count toward it. Last evaluated 2026-05-01.

Conditions:
Cardiomyopathy (CMYO). Also called: Cardiomyopathies. Identifiers: Orphanet 167848, MedGen C0878544, MONDO:0004994, HP:0001638. Inheritance: Various modes of inheritance.
Dilated cardiomyopathy 1W (CMD1W). Identifiers: Orphanet 154, MedGen C1969639, MONDO:0012667, OMIM 611407.
Primary dilated cardiomyopathy (DCM). Also called: Dilated Cardiomyopathy. Identifiers: Orphanet 217604, MedGen C0007193, MeSH D002311, MONDO:0005021, HP:0001644. Inheritance: Various modes of inheritance.

Allele frequency attached by ClinVar (database versions not stated): 1000 Genomes Project 30x 0.00078; 1000 Genomes Project 0.00100; TOPMed 0.00227; gnomAD 0.00253 and 0.00267; ESP Exome Variant Server 0.00261; gnomAD exomes 0.00269 and 0.00329; ExAC 0.00371.
gnomAD v4.1: 5,040 of 1,578,654 alleles (0.32%); highest among the groups gnomAD compares: Non-Finnish European, 0.38%; 19 homozygotes.

Submissions (16):

CeGaT Center for Human Genetics Tuebingen
Classification: Likely benign. Last evaluated: 2026-05-01. Review status: criteria provided, single submitter. Criteria: CeGaT Center For Human Genetics Tuebingen Variant Classification Criteria Version 2. Collection method: clinical testing. Allele origin: germline. Affected: yes. Observed: 10 variant alleles.
Comment: VCL: BS2

Labcorp Genetics (formerly Invitae), Labcorp
Classification: Benign for Dilated cardiomyopathy 1W. Last evaluated: 2026-02-03. Review status: criteria provided, single submitter. Criteria: Invitae Variant Classification Sherloc (09022015). Collection method: clinical testing. Allele origin: germline.

Molecular Diagnostic Laboratory for Inherited Cardiovascular Disease, Montreal Heart Institute
Classification: Likely benign. Last evaluated: 2025-04-09. Review status: criteria provided, single submitter. Criteria: ACMG Guidelines, 2015. Collection method: clinical testing. Allele origin: germline. Affected: no.

Blueprint Genetics
Classification: Likely benign. Last evaluated: 2024-11-26. Review status: criteria provided, single submitter. Criteria: ACMG Guidelines, 2015. Collection method: clinical testing. Allele origin: germline.

ARUP Laboratories, Molecular Genetics and Genomics, ARUP Laboratories
Classification: Benign. Last evaluated: 2024-11-19. Review status: criteria provided, single submitter. Criteria: ARUP Molecular Germline Variant Investigation Process 2024. Collection method: clinical testing. Allele origin: germline.

Mayo Clinic Laboratories, Mayo Clinic
Classification: Benign. Last evaluated: 2024-09-16. Review status: criteria provided, single submitter. Criteria: ACMG Guidelines, 2015. Collection method: clinical testing. Allele origin: germline. Observed: 7 variant alleles.
Comment: BS1, BS2, BP4, BP7

CHEO Genetics Diagnostic Laboratory, Children's Hospital of Eastern Ontario
Classification: Benign for Cardiomyopathy. Last evaluated: 2019-11-08. Review status: criteria provided, single submitter. Criteria: ACMG Guidelines, 2015. Collection method: clinical testing. Allele origin: germline. Study: Canadian Open Genetics Repository.

Center for Advanced Laboratory Medicine, UC San Diego Health, University of California San Diego
Classification: Benign for Dilated cardiomyopathy. Last evaluated: 2019-05-28. Review status: criteria provided, single submitter. Criteria: ACMG Guidelines, 2015. Collection method: clinical testing. Allele origin: germline. Affected: yes. Observed: 1 variant allele.

Women's Health and Genetics/Laboratory Corporation of America, LabCorp
Classification: Benign. Last evaluated: 2018-03-26. Review status: criteria provided, single submitter. Criteria: LabCorp Variant Classification Summary - May 2015. Collection method: clinical testing. Allele origin: germline.
Comment: Variant summary: VCL c.3258+10A>T alters a non-conserved nucleotide located close to a canonical splice site and therefore could affect mRNA splicing, leading to a significantly altered protein sequence. 4/5 computational tools predict no significant impact on normal splicing. However, these predictions have yet to be confirmed by functional studies. The variant allele was found at a frequency of 0.0027 in 217628 control chromosomes, predominantly within the Non-Finnish European subpopulation at a frequency of 0.0045 in the gnomAD database, including 1 homozygote. The observed variant frequency within Non-Finnish European control individuals in the gnomAD database is approximately 180 fold above the estimated maximal expected allele frequency for a pathogenic variant in VCL causing Cardiomyopathy phenotype (2.5e-05), strongly suggesting that the variant is a benign polymorphism found primarily in populations of Non-Finnish European origin. To our knowledge, no occurrence of c.3258+10A>T in individuals affected with Cardiomyopathy and no experimental evidence demonstrating its impact on protein function have been reported. Two clinical diagnostic laboratories have submitted clinical-significance assessments for this variant to ClinVar after 2014 without evidence for independent evaluation. One laboratory classified the variant as benign/likely benign, and one laboratory classified the variant as uncertain significance. Based on the evidence outlined above, the variant was classified as benign.

Illumina Laboratory Services, Illumina
Classification: Uncertain significance for Dilated cardiomyopathy 1W. Last evaluated: 2018-01-13. Review status: criteria provided, single submitter. Criteria: ICSL Variant Classification Criteria 13 December 2019. Collection method: clinical testing. Allele origin: germline.

GeneDx
Classification: Benign. Last evaluated: 2014-02-18. Review status: criteria provided, single submitter. Criteria: GeneDx Variant Classification (06012015). Collection method: clinical testing. Allele origin: germline. Affected: yes.
Comment: This variant is considered likely benign or benign based on one or more of the following criteria: it is a conservative change, it occurs at a poorly conserved position in the protein, it is predicted to be benign by multiple in silico algorithms, and/or has population frequency not consistent with disease.

Laboratory for Molecular Medicine, Mass General Brigham Personalized Medicine
Classification: Benign. Last evaluated: 2011-12-13. Review status: criteria provided, single submitter. Criteria: LMM Criteria. Collection method: clinical testing. Allele origin: germline. Observed: 18 variant alleles.
Comment: 3258+10A>T in Intron 21 of VCL: This variant is not expected to have clinical si gnificance because it is not located within the splice consensus sequence and ha s been identified in 0.4% (28/7018) of European American chromosomes from a broa d population by the NHLBI Exome Sequencing Project (/EVS; dbSNP rs71579379).

Clinical Genetics DNA and cytogenetics Diagnostics Lab, Erasmus MC, Erasmus Medical Center
Classification: Benign. Review status: no assertion criteria provided. Collection method: clinical testing. Allele origin: germline. Affected: yes. Study: VKGL Data-share Consensus. Not counted in ClinVar's aggregate classification.

Clinical Genetics, Academic Medical Center
Classification: Benign. Review status: no assertion criteria provided. Collection method: clinical testing. Allele origin: germline. Affected: yes. Study: VKGL Data-share Consensus. Not counted in ClinVar's aggregate classification.

Diagnostic Laboratory, Department of Genetics, University Medical Center Groningen
Classification: Likely benign. Review status: no assertion criteria provided. Collection method: clinical testing. Allele origin: germline. Affected: yes. Study: VKGL Data-share Consensus. Not counted in ClinVar's aggregate classification.

Genome Diagnostics Laboratory, University Medical Center Utrecht
Classification: Benign. Review status: no assertion criteria provided. Collection method: clinical testing. Allele origin: germline. Affected: yes. Study: VKGL Data-share Consensus. Not counted in ClinVar's aggregate classification.